The following is an entry in ClinVar:

ClinVar aggregate classification (germline): Uncertain significance (1 of 4 stars; one submission).

Conditions:
ELMOD3-related disorder. Also called: ELMOD3-related condition.

gnomAD v4.1: 22 of 1,614,224 alleles (0.0014%); highest among the groups gnomAD compares: Non-Finnish European, 0.0019%; no homozygotes.

Submission:

PreventionGenetics, part of Exact Sciences
Classification: Uncertain significance for ELMOD3-related condition. Last evaluated: 2025-06-14. Review status: criteria provided, single submitter. Criteria: ACMG Guidelines, 2015. Collection method: clinical testing. Allele origin: germline.
Comment: The ELMOD3 c.887C>T variant is predicted to result in the amino acid substitution p.Ala296Val. To our knowledge, this variant has not been reported in the literature. This variant is reported in 0.00088% of alleles in individuals of European (Non-Finnish) descent in gnomAD. At this time, the clinical significance of this variant is uncertain due to the absence of conclusive functional and genetic evidence.

NM_001135022.2(ELMOD3):c.887C>T (p.Ala296Val)

Gene: ELMOD3 (ELMO domain containing 3; plus strand). Cytogenetic location: 2p11.2.
Variant type: single nucleotide variant.
Coding change: c.887C>T on transcript NM_001135022.2 (MANE Select); coding-DNA position 887, C replaced by T.
Protein change: p.Ala296Val; replaces alanine 296 with valine.
Molecular consequence: missense variant. On other transcripts: non-coding transcript variant (3).
Genome position (GRCh38, 1-based): chr2:85,390,209, C>T. VCF-style: chr2-85390209-C-T. GRCh37 (hg19) VCF-style: chr2-85617332-C-T.
Other names: c.887C>T, p.Ala296Val (NM_001135021.2, NM_001135023.2, NM_001329791.2 and 3 more transcripts); short protein forms A296V.
Identifiers: ClinVar variation 4982033 (VCV004982033.1).
Genomic context (GRCh38, chr2:85,390,209, plus strand): 5'-GGCAGCAGAAGGTCATCCCCGTGGTGAACAGCTTCTATGCCGCCACATTCCTCCACCTCG[C>T]ACATGTCTGGAGGACACAGCGGAAGACCATCTCAGACTCGGGCTTTGTCCTCAAAGGTGT-3'
Protein context (NP_001128494.1, residues 286-306): SFYAATFLHL[Ala296Val]HVWRTQRKTI